The following is an entry in ClinVar:

NM_201378.4(PLEC):c.71-6217G>T

Gene: PLEC (plectin; minus strand). Cytogenetic location: 8q24.3.
Variant type: single nucleotide variant.
Coding change: c.71-6217G>T on transcript NM_201378.4 (MANE Plus Clinical); 6217 bases into the intron before coding-DNA position 71, G replaced by T.
Molecular consequence: intron variant.
Genome position (GRCh38, 1-based): chr8:143,944,909, C>A on the plus strand (G>T on the coding strand, the complement: PLEC is on the minus strand). VCF-style: chr8-143944909-C-A. GRCh37 (hg19) VCF-style: chr8-145019077-C-A.
Other names: c.194-6217G>T (NM_001410941.1, NM_000445.5); c.47-6217G>T (NM_201379.3); c.523+5275G>T (NM_201380.4).
Identifiers: ClinVar variation 673016 (VCV000673016.4), dbSNP rs73377226, ClinGen allele CA12871203.

ClinVar aggregate classification (germline): Benign. Review status: criteria provided, multiple submitters, no conflicts (2 of 4 stars). 2 submissions from 2 submitters: Benign (2). Last evaluated 2018-06-16.

Allele frequency attached by ClinVar (database versions not stated): 1000 Genomes Project 0.09145; 1000 Genomes Project 30x 0.09791; gnomAD 0.07940; TOPMed 0.09054.
gnomAD v4.1: 12,071 of 152,234 alleles (7.9%); highest among the groups gnomAD compares: African/African-American, 27%; 1,605 homozygotes.

Submissions (2):

GeneDx
Classification: Benign. Last evaluated: 2018-06-16. Review status: criteria provided, single submitter. Criteria: GeneDx Variant Classification (06012015). Collection method: clinical testing. Allele origin: germline. Affected: yes.
Comment: This variant is considered likely benign or benign based on one or more of the following criteria: it is a conservative change, it occurs at a poorly conserved position in the protein, it is predicted to be benign by multiple in silico algorithms, and/or has population frequency not consistent with disease.

Breakthrough Genomics
Classification: Benign. Review status: criteria provided, single submitter. Criteria: ACMG Guidelines, 2015. Collection method: not provided. Allele origin: germline. Inheritance: Autosomal recessive inheritance. Affected: yes.